The following is an entry in ClinVar:

ClinVar aggregate classification (germline): Uncertain significance (1 of 4 stars; one submission).

Conditions:
Cardiovascular phenotype. Identifiers: MedGen CN230736.

gnomAD v4.1: 1 of 1,611,786 alleles (0.000062%); highest among the groups gnomAD compares: Non-Finnish European, 0.000085%; no homozygotes.

Submission:

Ambry Genetics
Classification: Uncertain significance for Cardiovascular phenotype. Last evaluated: 2025-08-31. Review status: criteria provided, single submitter. Criteria: Ambry Variant Classification Scheme 2023. Collection method: clinical testing. Allele origin: germline.
Comment: The p.V2819L variant (also known as c.8455G>C), located in coding exon 23 of the TNXB gene, results from a G to C substitution at nucleotide position 8455. The valine at codon 2819 is replaced by leucine, an amino acid with highly similar properties. This amino acid position is conserved. In addition, this alteration is predicted to be tolerated by in silico analysis. Based on the available evidence, the clinical significance of this variant remains unclear.

NM_001365276.2(TNXB):c.8455G>C (p.Val2819Leu)

Gene: TNXB (tenascin XB; minus strand). Cytogenetic location: 6p21.33.
Variant type: single nucleotide variant.
Coding change: c.8455G>C on transcript NM_001365276.2 (MANE Select); coding-DNA position 8455, G replaced by C.
Protein change: p.Val2819Leu; replaces valine 2819 with leucine.
Molecular consequence: missense variant.
Genome position (GRCh38, 1-based): chr6:32,055,863, C>G on the plus strand (G>C on the coding strand, the complement: TNXB is on the minus strand). VCF-style: chr6-32055863-C-G. GRCh37 (hg19) VCF-style: chr6-32023640-C-G.
Other names: c.9196G>C, p.Val3066Leu (NM_001428335.1); c.8455G>C, p.Val2819Leu (NM_019105.8); short protein forms V2819L, V3066L.
Identifiers: ClinVar variation 4188731 (VCV004188731.1).